The following is an entry in ClinVar:

ClinVar aggregate classification (germline): Uncertain significance (1 of 4 stars; one submission).

gnomAD v4.1: 1 of 1,609,484 alleles (0.000062%); highest among the groups gnomAD compares: Non-Finnish European, 0.000085%; no homozygotes.

Submission:

GeneDx
Classification: Uncertain significance. Last evaluated: 2020-07-08. Review status: criteria provided, single submitter. Criteria: GeneDx Variant Classification Process June 2021. Collection method: clinical testing. Allele origin: germline. Affected: yes.
Comment: Not observed in large population cohorts (Lek et al., 2016); In silico analysis supports that this missense variant has a deleterious effect on protein structure/function; Has not been previously published as pathogenic or benign to our knowledge; This variant is associated with the following publications: (PMID: 24265153)

NM_014915.3(ANKRD26):c.26G>A (p.Gly9Asp)

Genes: ANKRD26 (ankyrin repeat domain containing 26; minus strand), LOC130003554 (ATAC-STARR-seq lymphoblastoid silent region 2243; plus strand). Cytogenetic location: 10p12.1.
Variant type: single nucleotide variant.
Coding change: c.26G>A on transcript NM_014915.3 (MANE Select); coding-DNA position 26, G replaced by A.
Protein change: p.Gly9Asp; replaces glycine 9 with aspartic acid.
Molecular consequence: missense variant.
Genome position (GRCh38, 1-based): chr10:27,100,301, C>T on the plus strand (G>A on the coding strand, the complement: ANKRD26 is on the minus strand). VCF-style: chr10-27100301-C-T. GRCh37 (hg19) VCF-style: chr10-27389230-C-T.
Other names: c.26G>A, p.Gly9Asp (NM_001256053.2); short protein forms G9D.
Identifiers: ClinVar variation 1304129 (VCV001304129.2), dbSNP rs751028014, ClinGen allele CA376370059.